The following is an entry in ClinVar:

GRCh38/hg38 15q13.3(chr15:31806467-32134668)x3

Genes: CHRNA7 (cholinergic receptor nicotinic alpha 7 subunit), OTUD7A (OTU deubiquitinase 7A; minus strand), LOC125078053 (Sharpr-MPRA regulatory region 11410; plus strand), LOC129390681 (MPRA-validated peak2289 silencer), LOC130056727 (ATAC-STARR-seq lymphoblastoid silent region 6268; plus strand). Cytogenetic location: 15q13.3.
Variant type: copy number gain.
Change: copy number 3 (three copies instead of two) of chr15:31,806,467-32,134,668 (328.2 kb, GRCh38 coordinates, 1-based), cytogenetic band 15q13.3.
Identifiers: ClinVar variation 152743 (VCV000152743.3).

ClinVar aggregate classification (germline): Conflicting classifications of pathogenicity. Review status: no assertion criteria provided (0 of 4 stars). 2 submissions from 2 submitters: Benign (1); conflicting data from submitters (1). Last evaluated 2013-04-04.

Submissions (2):

ISCA site 1
Classification: conflicting data from submitters. Last evaluated: 2013-04-04. Review status: no assertion criteria provided. Collection method: clinical testing. Allele origin: paternal. Affected: yes. Observed: 2 variant alleles.
Comment: Uncertain significance(1), Likely benign (1)

Copy number variation identified through the course of routine clinical cytogenomic testing in postnatal populations, with clinical assertions as classified by the original submitter. For data from the original published study, Kaminsky, et al. 2011 (PubMed 21844811), please see nstd101.

ISCA site 4
Classification: Benign. Last evaluated: 2010-03-30. Review status: no assertion criteria provided. Collection method: clinical testing. Allele origin: unknown. Affected: yes. Observed: 1 variant allele.